The following is an entry in ClinVar:

ClinVar aggregate classification (germline): Uncertain significance (1 of 4 stars; one submission).

Conditions:
Mosaic variegated aneuploidy syndrome 1 (MVA1). Also called: Warburton-Anyane-Yeboa syndrome. Identifiers: Orphanet 1052, MedGen C1850343, MONDO:0009759, OMIM 257300.

Allele frequency attached by ClinVar (database versions not stated): gnomAD exomes 0.00001 and 0.00002.
gnomAD v4.1: 15 of 1,613,604 alleles (0.00093%); highest among the groups gnomAD compares: Admixed American, 0.01%; no homozygotes.

Submission:

Labcorp Genetics (formerly Invitae), Labcorp
Classification: Uncertain significance for Mosaic variegated aneuploidy syndrome 1. Last evaluated: 2025-11-24. Review status: criteria provided, single submitter. Criteria: Invitae Variant Classification Sherloc (09022015). Collection method: clinical testing. Allele origin: germline.
Comment: This sequence change replaces arginine, which is basic and polar, with glutamine, which is neutral and polar, at codon 114 of the BUB1B protein (p.Arg114Gln). This variant is present in population databases (no rsID available, gnomAD 0.01%). This variant has not been reported in the literature in individuals affected with BUB1B-related conditions. ClinVar contains an entry for this variant (Variation ID: 1461946). An algorithm developed to predict the effect of missense changes on protein structure and function (PolyPhen-2) suggests that this variant is likely to be tolerated. In summary, the available evidence is currently insufficient to determine the role of this variant in disease. Therefore, it has been classified as a Variant of Uncertain Significance.

NM_001211.6(BUB1B):c.341G>A (p.Arg114Gln)

Gene: BUB1B (BUB1 mitotic checkpoint serine/threonine kinase B; plus strand). Cytogenetic location: 15q15.1.
Variant type: single nucleotide variant.
Coding change: c.341G>A on transcript NM_001211.6 (MANE Select); coding-DNA position 341, G replaced by A.
Protein change: p.Arg114Gln; replaces arginine 114 with glutamine.
Molecular consequence: missense variant.
Genome position (GRCh38, 1-based): chr15:40,170,638, G>A. VCF-style: chr15-40170638-G-A. GRCh37 (hg19) VCF-style: chr15-40462839-G-A.
Other names: short protein forms R114Q.
Identifiers: ClinVar variation 1461946 (VCV001461946.6), dbSNP rs1372115983, ClinGen allele CA391679271.